The following is an entry in ClinVar:

ClinVar aggregate classification (germline): Uncertain significance. Review status: criteria provided, multiple submitters, no conflicts (2 of 4 stars). 2 submissions from 2 submitters: Uncertain significance (2). Last evaluated 2025-02-24.

Allele frequency attached by ClinVar (database versions not stated): gnomAD exomes below 0.00001; TOPMed below 0.00001; gnomAD 0.00001.
gnomAD v4.1: 2 of 1,613,612 alleles (0.00012%); highest among the groups gnomAD compares: Non-Finnish European, 0.00017%; no homozygotes.

Submissions (2):

Ambry Genetics
Classification: Uncertain significance. Last evaluated: 2025-02-24. Review status: criteria provided, single submitter. Criteria: Ambry Variant Classification Scheme 2023. Collection method: clinical testing. Allele origin: germline.
Comment: The p.L701V variant (also known as c.2101C>G), located in coding exon 13 of the GEN1 gene, results from a C to G substitution at nucleotide position 2101. The leucine at codon 701 is replaced by valine, an amino acid with highly similar properties. This amino acid position is conserved. In addition, this alteration is predicted to be tolerated by in silico analysis. Based on the available evidence, the clinical significance of this variant remains unclear.

Labcorp Genetics (formerly Invitae), Labcorp
Classification: Uncertain significance. Last evaluated: 2020-03-08. Review status: criteria provided, single submitter. Criteria: Invitae Variant Classification Sherloc (09022015). Collection method: clinical testing. Allele origin: germline.
Comment: This variant has not been reported in the literature in individuals with GEN1-related conditions. In summary, the available evidence is currently insufficient to determine the role of this variant in disease. Therefore, it has been classified as a Variant of Uncertain Significance. Algorithms developed to predict the effect of sequence changes on RNA splicing suggest that this variant may create or strengthen a splice site, but this prediction has not been confirmed by published transcriptional studies. Algorithms developed to predict the effect of missense changes on protein structure and function output the following: SIFT: "Tolerated"; PolyPhen-2: "Benign"; Align-GVGD: "Class C0". The valine amino acid residue is found in multiple mammalian species, suggesting that this missense change does not adversely affect protein function. These predictions have not been confirmed by published functional studies and their clinical significance is uncertain. This variant is not present in population databases (ExAC no frequency). This sequence change replaces leucine with valine at codon 701 of the GEN1 protein (p.Leu701Val). The leucine residue is moderately conserved and there is a small physicochemical difference between leucine and valine.

NM_001130009.3(GEN1):c.2101C>G (p.Leu701Val)

Gene: GEN1 (GEN1 structure-specific endonuclease; plus strand). Cytogenetic location: 2p24.2.
Variant type: single nucleotide variant.
Coding change: c.2101C>G on transcript NM_001130009.3 (MANE Select); coding-DNA position 2101, C replaced by G.
Protein change: p.Leu701Val; replaces leucine 701 with valine.
Molecular consequence: missense variant.
Genome position (GRCh38, 1-based): chr2:17,781,313, C>G. VCF-style: chr2-17781313-C-G. GRCh37 (hg19) VCF-style: chr2-17962580-C-G.
Other names: c.2101C>G, p.Leu701Val (NM_182625.5); c.2101C>G (NM_001130009.1); short protein forms L701V.
Identifiers: ClinVar variation 1009640 (VCV001009640.9), dbSNP rs1343397583, ClinGen allele CA345927310.
Genomic context (GRCh38, chr2:17,781,313, plus strand): 5'-AAATTATCATATCCTCAGGATAATCTACAACCAGATGTCAACCTGAAAACTTTGTCCATA[C>G]TTAGTGTAAAAGAATCTTGTATTGCTAACAGTGGTTCTGATTGTACATCACATCTTTCAA-3'
Protein context (NP_001123481.3, residues 691-711): PDVNLKTLSI[Leu701Val]SVKESCIANS